The following is an entry in ClinVar:

ClinVar aggregate classification (germline): Uncertain significance (1 of 4 stars; one submission).

Conditions:
Nemaline myopathy 2 (NEM2). Also called: Nemaline myopathy 2, autosomal recessive. Identifiers: MedGen C1850569, MONDO:0009725, OMIM 256030.

Submission:

Labcorp Genetics (formerly Invitae), Labcorp
Classification: Uncertain significance for Nemaline myopathy 2. Last evaluated: 2022-01-26. Review status: criteria provided, single submitter. Criteria: Invitae Variant Classification Sherloc (09022015). Collection method: clinical testing. Allele origin: germline.
Comment: This sequence change replaces phenylalanine, which is neutral and non-polar, with leucine, which is neutral and non-polar, at codon 7535 of the NEB protein (p.Phe7535Leu). This variant is not present in population databases (gnomAD no frequency). This variant has not been reported in the literature in individuals affected with NEB-related conditions. Algorithms developed to predict the effect of missense changes on protein structure and function are either unavailable or do not agree on the potential impact of this missense change (SIFT: "Deleterious"; PolyPhen-2: "Not Available"; Align-GVGD: "Class C0"). In summary, the available evidence is currently insufficient to determine the role of this variant in disease. Therefore, it has been classified as a Variant of Uncertain Significance.

NM_001164508.2(NEB):c.22500C>A (p.Phe7500Leu)

Genes: NEB (nebulin; minus strand), RIF1 (replication timing regulatory factor 1; plus strand). Cytogenetic location: 2q23.3.
Variant type: single nucleotide variant.
Coding change: c.22500C>A on transcript NM_001164508.2 (MANE Select); coding-DNA position 22500, C replaced by A.
Protein change: p.Phe7500Leu; replaces phenylalanine 7500 with leucine.
Molecular consequence: missense variant.
Genome position (GRCh38, 1-based): chr2:151,519,748, G>T on the plus strand (C>A on the coding strand, the complement: NEB is on the minus strand). VCF-style: chr2-151519748-G-T. GRCh37 (hg19) VCF-style: chr2-152376262-G-T.
Other names: c.22500C>A, p.Phe7500Leu (NM_001164507.2); c.22605C>A, p.Phe7535Leu (NM_001271208.2); c.17397C>A, p.Phe5799Leu (NM_004543.5); short protein forms F5799L, F7535L, F7500L.
Identifiers: ClinVar variation 2089536 (VCV002089536.1), dbSNP rs772294501, ClinGen allele CA348762090.
Genomic context (GRCh38, chr2:151,519,748, plus strand): 5'-GACTTTGTAGAGCTGGCTGTCTTTTGGATTGTATTTTGGTGTCTTGCCCTTTTCTTTATC[G>T]AAATTTTCTCGGTATTTAACCTAACAGCAAATGCAAACATCCAAATTATTCCTGGACATC-3'
Protein context (NP_001157980.2, residues 7490-7510): LSSQVKYREN[Phe7500Leu]DKEKGKTPKY